The following is an entry in ClinVar:

ClinVar aggregate classification (germline): Pathogenic/Likely pathogenic. Review status: criteria provided, multiple submitters, no conflicts (2 of 4 stars). 3 submissions from 3 submitters: Pathogenic (1); Likely pathogenic (2). Last evaluated 2025-07-01.

Conditions:
Hereditary spastic paraplegia. Also called: Familial spastic paraparesis. Identifiers: Orphanet 685, MedGen C0037773, MONDO:0019064. Disease mechanism: loss of function.
Hereditary spastic paraplegia 4. Also called: Familial spastic paraplegia autosomal dominant 2; Spastic Paraplegia 4; Spastic paraplegia 4, autosomal dominant. Identifiers: Orphanet 100985, MedGen C1866855, MONDO:0008438, OMIM 182601.

Submissions (3):

Neurology Department, Peking University First Hospital
Classification: Pathogenic for Hereditary spastic paraplegia 4. Last evaluated: 2025-07-01. Review status: criteria provided, single submitter. Criteria: ACMG Guidelines, 2015. Collection method: clinical testing. Allele origin: unknown. Inheritance: Sporadic. Affected: yes.
Comment: PVS1+PM2+PM6+PP3

Revvity Omics, Revvity
Classification: Likely pathogenic for Hereditary spastic paraplegia 4. Last evaluated: 2022-04-19. Review status: criteria provided, single submitter. Criteria: ACMG Guidelines, 2015. Collection method: clinical testing. Allele origin: germline.

Genome Diagnostics Laboratory, The Hospital for Sick Children
Classification: Likely pathogenic for Hereditary spastic paraplegia. Last evaluated: 2021-03-08. Review status: criteria provided, single submitter. Criteria: ACMG Guidelines, 2015. Collection method: clinical testing. Allele origin: germline. Affected: yes.

NM_014946.4(SPAST):c.871-1G>A

Gene: SPAST (spastin; plus strand). Cytogenetic location: 2p22.3.
Variant type: single nucleotide variant.
Coding change: c.871-1G>A on transcript NM_014946.4 (MANE Select); the canonical splice acceptor site of the intron before coding-DNA position 871, G replaced by A.
Molecular consequence: splice acceptor variant.
Genome position (GRCh38, 1-based): chr2:32,115,701, G>A. VCF-style: chr2-32115701-G-A. GRCh37 (hg19) VCF-style: chr2-32340770-G-A.
Other names: c.775-1G>A (NM_199436.2, NM_001377959.1); c.868-1G>A (NM_001363823.2); c.772-1G>A (NM_001363875.2).
Identifiers: ClinVar variation 1344071 (VCV001344071.7), dbSNP rs1057524526, ClinGen allele CA346499027.